The following is an entry in ClinVar:

ClinVar aggregate classification (germline): Uncertain significance. Review status: criteria provided, multiple submitters, no conflicts (2 of 4 stars). 2 submissions from 2 submitters: Uncertain significance (2). Last evaluated 2025-11-28.

Conditions:
Neuroblastoma, susceptibility to, 3. Also called: ALK-Related Neuroblastic Tumor Susceptibility. Identifiers: Orphanet 635, MedGen C2751681, MONDO:0013083, OMIM 613014.
Hereditary cancer-predisposing syndrome. Also called: Neoplastic Syndromes, Hereditary; Hereditary neoplastic syndrome; Hereditary Cancer Syndrome; Tumor predisposition. Identifiers: Orphanet 140162, MedGen C0027672, MeSH D009386, MONDO:0015356.

Allele frequency attached by ClinVar (database versions not stated): gnomAD exomes 0.00001.
gnomAD v4.1: 7 of 1,614,030 alleles (0.00043%); highest among the groups gnomAD compares: Non-Finnish European, 0.00059%; no homozygotes.

Submissions (2):

Ambry Genetics
Classification: Uncertain significance for Hereditary cancer-predisposing syndrome. Last evaluated: 2025-11-28. Review status: criteria provided, single submitter. Criteria: Ambry Variant Classification Scheme 2023. Collection method: clinical testing. Allele origin: germline.
Comment: The p.S1334R variant (also known as c.4002C>G), located in coding exon 27 of the ALK gene, results from a C to G substitution at nucleotide position 4002. The serine at codon 1334 is replaced by arginine, an amino acid with dissimilar properties. This amino acid position is conserved. In addition, this alteration is predicted to be deleterious by in silico analysis. Since supporting evidence is limited at this time, the clinical significance of this alteration remains unclear.

Labcorp Genetics (formerly Invitae), Labcorp
Classification: Uncertain significance for Neuroblastoma, susceptibility to, 3. Last evaluated: 2025-02-03. Review status: criteria provided, single submitter. Criteria: Invitae Variant Classification Sherloc (09022015). Collection method: clinical testing. Allele origin: germline.
Comment: This sequence change replaces serine, which is neutral and polar, with arginine, which is basic and polar, at codon 1334 of the ALK protein (p.Ser1334Arg). This variant is not present in population databases (gnomAD no frequency). This variant has not been reported in the literature in individuals affected with ALK-related conditions. ClinVar contains an entry for this variant (Variation ID: 1406414). An algorithm developed to predict the effect of missense changes on protein structure and function (PolyPhen-2) suggests that this variant is likely to be disruptive. In summary, the available evidence is currently insufficient to determine the role of this variant in disease. Therefore, it has been classified as a Variant of Uncertain Significance.

NM_004304.5(ALK):c.4002C>G (p.Ser1334Arg)

Gene: ALK (ALK receptor tyrosine kinase; minus strand). Cytogenetic location: 2p23.2.
Variant type: single nucleotide variant.
Coding change: c.4002C>G on transcript NM_004304.5 (MANE Select); coding-DNA position 4002, C replaced by G.
Protein change: p.Ser1334Arg; replaces serine 1334 with arginine.
Molecular consequence: missense variant.
Genome position (GRCh38, 1-based): chr2:29,197,613, G>C on the plus strand (C>G on the coding strand, the complement: ALK is on the minus strand). VCF-style: chr2-29197613-G-C. GRCh37 (hg19) VCF-style: chr2-29420479-G-C.
Other names: c.4002C>G (NM_004304.4); c.798C>G, p.Ser266Arg (NM_001353765.2); short protein forms S1334R, S266R.
Identifiers: ClinVar variation 1406414 (VCV001406414.10), dbSNP rs1669056558, ClinGen allele CA346466152.